The following is an entry in ClinVar:

ClinVar aggregate classification (germline): Uncertain significance (1 of 4 stars; one submission).

Submission:

Ambry Genetics
Classification: Uncertain significance. Last evaluated: 2025-09-26. Review status: criteria provided, single submitter. Criteria: Ambry Variant Classification Scheme 2023. Collection method: clinical testing. Allele origin: germline.
Comment: The p.H661Q variant (also known as c.1983C>G), located in coding exon 1 of the TET2 gene, results from a C to G substitution at nucleotide position 1983. The histidine at codon 661 is replaced by glutamine, an amino acid with highly similar properties. This amino acid position is conserved. In addition, this alteration is predicted to be tolerated by in silico analysis. Based on the available evidence, the clinical significance of this variant remains unclear.

NM_001127208.3(TET2):c.1983C>G (p.His661Gln)

Genes: TET2 (tet methylcytosine dioxygenase 2; plus strand), TET2-AS1 (TET2 antisense RNA 1; minus strand). Cytogenetic location: 4q24.
Variant type: single nucleotide variant.
Coding change: c.1983C>G on transcript NM_001127208.3 (MANE Select); coding-DNA position 1983, C replaced by G.
Protein change: p.His661Gln; replaces histidine 661 with glutamine.
Molecular consequence: missense variant.
Genome position (GRCh38, 1-based): chr4:105,235,925, C>G. VCF-style: chr4-105235925-C-G. GRCh37 (hg19) VCF-style: chr4-106157082-C-G.
Other names: c.1983C>G, p.His661Gln (NM_017628.4); short protein forms H661Q.
Identifiers: ClinVar variation 4594125 (VCV004594125.1).